The following is an entry in ClinVar:

ClinVar aggregate classification (germline): Uncertain significance. Review status: criteria provided, multiple submitters, no conflicts (2 of 4 stars). 2 submissions from 2 submitters: Uncertain significance (2). Last evaluated 2024-05-17.

Allele frequency attached by ClinVar (database versions not stated): ExAC 0.00004; gnomAD exomes 0.00004 and 0.00014; gnomAD 0.00005 and 0.00007; TOPMed 0.00007.
gnomAD v4.1: 213 of 1,612,068 alleles (0.013%); highest among the groups gnomAD compares: Non-Finnish European, 0.017%; no homozygotes.

Submissions (2):

Labcorp Genetics (formerly Invitae), Labcorp
Classification: Uncertain significance. Last evaluated: 2024-05-17. Review status: criteria provided, single submitter. Criteria: Invitae Variant Classification Sherloc (09022015). Collection method: clinical testing. Allele origin: germline.
Comment: This sequence change replaces cysteine, which is neutral and slightly polar, with glycine, which is neutral and non-polar, at codon 718 of the CACNA2D4 protein (p.Cys718Gly). This variant is present in population databases (rs759463194, gnomAD 0.009%). This variant has not been reported in the literature in individuals affected with CACNA2D4-related conditions. ClinVar contains an entry for this variant (Variation ID: 1006229). An algorithm developed to predict the effect of missense changes on protein structure and function (PolyPhen-2) suggests that this variant is likely to be disruptive. In summary, the available evidence is currently insufficient to determine the role of this variant in disease. Therefore, it has been classified as a Variant of Uncertain Significance.

Blueprint Genetics
Classification: Uncertain significance. Last evaluated: 2022-10-28. Review status: criteria provided, single submitter. Criteria: ACMG Guidelines, 2015. Collection method: clinical testing. Allele origin: germline.

NM_172364.5(CACNA2D4):c.2152T>G (p.Cys718Gly)

Gene: CACNA2D4 (calcium voltage-gated channel auxiliary subunit alpha2delta 4; minus strand). Cytogenetic location: 12p13.33.
Variant type: single nucleotide variant.
Coding change: c.2152T>G on transcript NM_172364.5 (MANE Select); coding-DNA position 2152, T replaced by G.
Protein change: p.Cys718Gly; replaces cysteine 718 with glycine.
Molecular consequence: missense variant.
Genome position (GRCh38, 1-based): chr12:1,856,012, A>C on the plus strand (T>G on the coding strand, the complement: CACNA2D4 is on the minus strand). VCF-style: chr12-1856012-A-C. GRCh37 (hg19) VCF-style: chr12-1965178-A-C.
Other names: short protein forms C718G.
Identifiers: ClinVar variation 1006229 (VCV001006229.7), dbSNP rs759463194, ClinGen allele CA6386838.